The following is an entry in ClinVar:

ClinVar aggregate classification (germline): Uncertain significance (1 of 4 stars; one submission).

gnomAD v4.1: 37 of 1,485,060 alleles (0.0025%); highest among the groups gnomAD compares: African/African-American, 0.0042%; no homozygotes.

Submission:

Labcorp Genetics (formerly Invitae), Labcorp
Classification: Uncertain significance. Last evaluated: 2026-01-26. Review status: criteria provided, single submitter. Criteria: Invitae Variant Classification Sherloc (09022015). Collection method: clinical testing. Allele origin: germline.
Comment: This sequence change replaces arginine, which is basic and polar, with glutamine, which is neutral and polar, at codon 427 of the GUCY2C protein (p.Arg427Gln). This variant is present in population databases (rs142517628, gnomAD 0.004%). This variant has not been reported in the literature in individuals affected with GUCY2C-related conditions. An algorithm developed to predict the effect of missense changes on protein structure and function outputs the following: PolyPhen-2: "Benign". The glutamine amino acid residue is found in multiple mammalian species, which suggests that this missense change does not adversely affect protein function. In summary, the available evidence is currently insufficient to determine the role of this variant in disease. Therefore, it has been classified as a Variant of Uncertain Significance.

NM_004963.4(GUCY2C):c.1280G>A (p.Arg427Gln)

Genes: GUCY2C (guanylate cyclase 2C; minus strand), GUCY2C-AS1 (GUCY2C antisense RNA 1; plus strand). Cytogenetic location: 12p12.3.
Variant type: single nucleotide variant.
Coding change: c.1280G>A on transcript NM_004963.4 (MANE Select); coding-DNA position 1280, G replaced by A.
Protein change: p.Arg427Gln; replaces arginine 427 with glutamine.
Molecular consequence: missense variant.
Genome position (GRCh38, 1-based): chr12:14,669,724, C>T on the plus strand (G>A on the coding strand, the complement: GUCY2C is on the minus strand). VCF-style: chr12-14669724-C-T. GRCh37 (hg19) VCF-style: chr12-14822658-C-T.
Other names: short protein forms R427Q.
Identifiers: ClinVar variation 4691998 (VCV004691998.1).